The following is an entry in ClinVar:

ClinVar aggregate classification (germline): Uncertain significance (1 of 4 stars; one submission).

Conditions:
MYH10-related disorder. Also called: MYH10-related condition.

Allele frequency attached by ClinVar (database versions not stated): gnomAD exomes below 0.00001.
gnomAD v4.1: 1 of 1,613,928 alleles (0.000062%); highest among the groups gnomAD compares: Non-Finnish European, 0.000085%; no homozygotes.

Submission:

PreventionGenetics, part of Exact Sciences
Classification: Uncertain significance for MYH10-related condition. Last evaluated: 2025-06-12. Review status: criteria provided, single submitter. Criteria: ACMG Guidelines, 2015. Collection method: clinical testing. Allele origin: germline.
Comment: The MYH10 c.2731C>T variant is predicted to result in the amino acid substitution p.Arg911Trp. To our knowledge, this variant has not been reported in the literature or in a large population database, indicating this variant is rare. At this time, the clinical significance of this variant is uncertain due to the absence of conclusive functional and genetic evidence.

NM_001256012.3(MYH10):c.2731C>T (p.Arg911Trp)

Genes: MYH10 (myosin heavy chain 10; minus strand), LOC126862486 (BRD4-independent group 4 enhancer GRCh37_chr17:8416542-8417741; plus strand). Cytogenetic location: 17p13.1.
Variant type: single nucleotide variant.
Coding change: c.2731C>T on transcript NM_001256012.3 (MANE Select); coding-DNA position 2731, C replaced by T.
Protein change: p.Arg911Trp; replaces arginine 911 with tryptophan.
Molecular consequence: missense variant.
Genome position (GRCh38, 1-based): chr17:8,513,552, G>A on the plus strand (C>T on the coding strand, the complement: MYH10 is on the minus strand). VCF-style: chr17-8513552-G-A. GRCh37 (hg19) VCF-style: chr17-8416870-G-A.
Other names: c.2665C>T, p.Arg889Trp (NM_001256095.2); c.2668C>T, p.Arg890Trp (NM_001375266.1); c.2638C>T, p.Arg880Trp (NM_005964.5); short protein forms R880W, R889W, R890W, R911W.
Identifiers: ClinVar variation 2635314 (VCV002635314.2), dbSNP rs2081366351, ClinGen allele CA398038798.
Genomic context (GRCh38, chr17:8,513,552, plus strand): 5'-ATAGGGATTCAGGGCCAAGTGTGAGTTACAAGGTCACTGCACACACCTGCTGGTGCTTCC[G>A]CTCCATCTCCTCCAGCTCTCCTTCCACCTTCGTCTGCTTCTCCTTCACCTTCAACAGCTC-3'
Protein context (NP_001242941.1, residues 901-921): KVEGELEEME[Arg911Trp]KHQQLLEEKN